The following is an entry in ClinVar:

NM_001356.5(DDX3X):c.1105dup (p.Thr369fs)

Gene: DDX3X (DEAD-box helicase 3 X-linked; plus strand). Cytogenetic location: Xp11.4.
Variant type: Duplication.
Coding change: c.1105dup on transcript NM_001356.5 (MANE Select); coding-DNA position 1105, one base duplicated (A; older notation c.1105dupA).
Protein change: p.Thr369fs; shifts the reading frame from threonine 369.
Molecular consequence: frameshift variant. On other transcripts: non-coding transcript variant (1).
Genome position (GRCh38, 1-based): chrX:41,345,259, A duplicated. VCF-style (leftmost placement, unchanged base first): chrX-41345258-T-TA. GRCh37 (hg19) VCF-style: chrX-41204511-T-TA.
Other names: c.1105dup, p.Thr369fs (NM_001193416.3); c.1057dup, p.Thr353fs (NM_001193417.3); c.547dup, p.Thr183fs (NM_001363819.1); short protein forms T183fs, T353fs, T369fs.
Identifiers: ClinVar variation 3338075 (VCV003338075.1).

ClinVar aggregate classification (germline): Likely pathogenic (0 of 4 stars; one submission).

Conditions:
Intellectual disability, X-linked 102 (MRXSSB). Also called: Intellectual developmental disorder, X-linked syndromic, Snijders Blok type. Identifiers: Orphanet 457260, MedGen C5393299, MONDO:0010497, OMIM 300958.

Submission:

Solve-RD Consortium
Classification: Likely pathogenic for Intellectual disability, X-linked 102. Last evaluated: 2022-06-01. Review status: no assertion criteria provided. Collection method: provider interpretation. Allele origin: inherited. Affected: yes.
Comment: Variant confirmed as disease-causing by referring clinical team

Variant identified during reanalysis of unsolved cases by the Solve-RD project. The Solve-RD project has received funding from the European Union’s Horizon 2020 research and innovation programme under grant agreement No 779257.

Literature cited by the submitters: PubMed 39825153.